The following is an entry in ClinVar:

NM_001267550.2(TTN):c.22601T>A (p.Phe7534Tyr)

Gene: TTN (titin; minus strand). Cytogenetic location: 2q31.2.
Variant type: single nucleotide variant.
Coding change: c.22601T>A on transcript NM_001267550.2 (MANE Select); coding-DNA position 22601, T replaced by A.
Protein change: p.Phe7534Tyr; replaces phenylalanine 7534 with tyrosine.
Molecular consequence: missense variant. On other transcripts: intron variant (3).
Genome position (GRCh38, 1-based): chr2:178,722,062, A>T on the plus strand (T>A on the coding strand, the complement: TTN is on the minus strand). VCF-style: chr2-178722062-A-T. GRCh37 (hg19) VCF-style: chr2-179586789-A-T.
Other names: c.21650T>A, p.Phe7217Tyr (NM_001256850.1); c.18869T>A, p.Phe6290Tyr (NM_133378.4); c.13282+16020T>A (NM_003319.4); c.13858+16020T>A (NM_133437.4); c.13657+16020T>A (NM_133432.3); short protein forms F6290Y, F7217Y, F7534Y.
Identifiers: ClinVar variation 2437588 (VCV002437588.4), dbSNP rs551521928, ClinGen allele CA2000801.

ClinVar aggregate classification (germline): Uncertain significance. Review status: criteria provided, multiple submitters, no conflicts (2 of 4 stars). 2 submissions from 2 submitters: Uncertain significance (2). Last evaluated 2026-05-14.

Conditions:
TTN-related disorder. Also called: TTN-related condition; TTN-related disease; TTN-related disorders.

Allele frequency attached by ClinVar (database versions not stated): TOPMed 0.00001; gnomAD 0.00002; ExAC 0.00010; 1000 Genomes Project 30x 0.00031; 1000 Genomes Project 0.00040.
gnomAD v4.1: 37 of 1,612,262 alleles (0.0023%); highest among the groups gnomAD compares: South Asian, 0.041%; no homozygotes.

Submissions (2):

PreventionGenetics, part of Exact Sciences
Classification: Uncertain significance for TTN-related condition. Last evaluated: 2026-05-14. Review status: criteria provided, single submitter. Criteria: ACMG Guidelines, 2015. Collection method: clinical testing. Allele origin: germline.
Comment: The TTN c.22601T>A variant is predicted to result in the amino acid substitution p.Phe7534Tyr. To our knowledge, this variant has not been reported in the literature. This variant is reported in 0.069% of alleles in individuals of South Asian descent in gnomAD. Although we suspect that this variant may be benign, at this time, the clinical significance of this variant is uncertain due to the absence of conclusive functional and genetic evidence.

Revvity Omics, Revvity
Classification: Uncertain significance. Last evaluated: 2019-07-29. Review status: criteria provided, single submitter. Criteria: ACMG Guidelines, 2015. Collection method: clinical testing. Allele origin: germline.